The following is an entry in ClinVar:

NM_001393504.1(MAST3):c.3853G>A (p.Glu1285Lys)

Gene: MAST3 (microtubule associated serine/threonine kinase 3; plus strand). Cytogenetic location: 19p13.11.
Variant type: single nucleotide variant.
Coding change: c.3853G>A on transcript NM_001393504.1 (MANE Select); coding-DNA position 3853, G replaced by A.
Protein change: p.Glu1285Lys; replaces glutamic acid 1285 with lysine.
Molecular consequence: missense variant.
Genome position (GRCh38, 1-based): chr19:18,149,535, G>A. VCF-style: chr19-18149535-G-A. GRCh37 (hg19) VCF-style: chr19-18260345-G-A.
Other names: c.3877G>A, p.Glu1293Lys (NM_001393501.1); c.3856G>A, p.Glu1286Lys (NM_001393502.1); c.3853G>A, p.Glu1285Lys (NM_001393503.1); c.3823G>A, p.Glu1275Lys (NM_001393505.1); c.3805G>A, p.Glu1269Lys (NM_001393506.1, NM_001393507.1); c.3787G>A, p.Glu1263Lys (NM_001393508.1); c.3784G>A, p.Glu1262Lys (NM_001393509.1, NM_001393510.1); c.3781G>A, p.Glu1261Lys (NM_001393511.1, NM_001393512.1); and 9 more; short protein forms E1238K, E1246K, E1247K, E1252K, E1253K, E1254K, E1255K, E1256K.
Identifiers: ClinVar variation 1699325 (VCV001699325.4), dbSNP rs1414358056, ClinGen allele CA404798267.

ClinVar aggregate classification (germline): Uncertain significance. Review status: criteria provided, multiple submitters, no conflicts (2 of 4 stars). 2 submissions from 2 submitters: Uncertain significance (2). Last evaluated 2024-09-16.

Conditions:
Developmental and epileptic encephalopathy. Identifiers: MedGen C5779964, MONDO:0100620.

Allele frequency attached by ClinVar (database versions not stated): gnomAD 0.00001; TOPMed 0.00001; gnomAD exomes below 0.00001.
gnomAD v4.1: 7 of 1,560,468 alleles (0.00045%); highest among the groups gnomAD compares: Middle Eastern, 0.017%; no homozygotes.

Submissions (2):

Women's Health and Genetics/Laboratory Corporation of America, LabCorp
Classification: Uncertain significance. Last evaluated: 2024-09-16. Review status: criteria provided, single submitter. Criteria: LabCorp Variant Classification Summary - May 2015. Collection method: clinical testing. Allele origin: germline.
Comment: Variant summary: MAST3 c.3739G>A (p.Glu1247Lys) results in a conservative amino acid change in the encoded protein sequence. Four of five in-silico tools predict a benign effect of the variant on protein function. The variant was absent in 159996 control chromosomes. The available data on variant occurrences in the general population are insufficient to allow any conclusion about variant significance. To our knowledge, no occurrence of c.3739G>A in individuals affected with Developmental And Epileptic Encephalopathy 108 and no experimental evidence demonstrating its impact on protein function have been reported. ClinVar contains an entry for this variant (Variation ID: 1699325). Based on the evidence outlined above, the variant was classified as uncertain significance.

Victorian Clinical Genetics Services, Murdoch Childrens Research Institute
Classification: Uncertain significance for Developmental and epileptic encephalopathy. Last evaluated: 2022-03-31. Review status: criteria provided, single submitter. Criteria: ACMG Guidelines, 2015. Collection method: clinical testing. Allele origin: germline. Inheritance: Autosomal dominant inheritance.
Comment: Based on the classification scheme VCGS_Germline_v1.3.4, this variant is classified as VUS-3C. Following criteria are met: 0101 - Gain of function is a known mechanism of disease in this gene and is associated with developmental and epileptic encephalopathy, MAST3-related (MONDO#0100062) (PMID: 34185323). (I) 0107 - This gene is associated with autosomal dominant disease. (I) 0200 - Variant is predicted to result in a missense amino acid change from glutamic acid to lysine. (I) 0251 - This variant is heterozygous. (I) 0302 - Variant is present in gnomAD <0.001 for a dominant condition (v3: 2 heterozygotes, 0 homozygotes). (SP) 0503 - Missense variant consistently predicted to be tolerated by multiple in silico tools or not conserved in placental mammals with a minor amino acid change. (SB) 0604 - Variant is not located in an established domain, motif, hotspot or informative constraint region. (I) 0705 - No comparable missense variants have previous evidence for pathogenicity. (I) 0807 - This variant has no previous evidence of pathogenicity. (I) 0905 - No published segregation evidence has been identified for this variant. (I) 1007 - No published functional evidence has been identified for this variant. (I) 1208 - Inheritance information for this variant is not currently available in this individual. (I) Legend: (SP) - Supporting pathogenic, (I) - Information, (SB) - Supporting benign

Literature cited by the submitters: PubMed 34185323 (cited by Victorian Clinical Genetics Services, Murdoch Childrens Research Institute).